The following is an entry in ClinVar:

NM_000094.4(COL7A1):c.1934C>T (p.Pro645Leu)

Gene: COL7A1 (collagen type VII alpha 1 chain; minus strand). Cytogenetic location: 3p21.31.
Variant type: single nucleotide variant.
Coding change: c.1934C>T on transcript NM_000094.4 (MANE Select); coding-DNA position 1934, C replaced by T.
Protein change: p.Pro645Leu; replaces proline 645 with leucine.
Molecular consequence: missense variant.
Genome position (GRCh38, 1-based): chr3:48,590,329, G>A on the plus strand (C>T on the coding strand, the complement: COL7A1 is on the minus strand). VCF-style: chr3-48590329-G-A. GRCh37 (hg19) VCF-style: chr3-48627762-G-A.
Other names: short protein forms P645L.
Identifiers: ClinVar variation 2096997 (VCV002096997.4), dbSNP rs1341731213, ClinGen allele CA352727196.

ClinVar aggregate classification (germline): Uncertain significance (1 of 4 stars; one submission).

Allele frequency attached by ClinVar (database versions not stated): gnomAD exomes below 0.00001; TOPMed below 0.00001; gnomAD 0.00001.

Submission:

Labcorp Genetics (formerly Invitae), Labcorp
Classification: Uncertain significance. Last evaluated: 2022-03-12. Review status: criteria provided, single submitter. Criteria: Invitae Variant Classification Sherloc (09022015). Collection method: clinical testing. Allele origin: germline.
Comment: In summary, the available evidence is currently insufficient to determine the role of this variant in disease. Therefore, it has been classified as a Variant of Uncertain Significance. Advanced modeling of protein sequence and biophysical properties (such as structural, functional, and spatial information, amino acid conservation, physicochemical variation, residue mobility, and thermodynamic stability) performed at Invitae indicates that this missense variant is not expected to disrupt COL7A1 protein function. This variant has not been reported in the literature in individuals affected with COL7A1-related conditions. This variant is present in population databases (no rsID available, gnomAD 0.1%). This sequence change replaces proline, which is neutral and non-polar, with leucine, which is neutral and non-polar, at codon 645 of the COL7A1 protein (p.Pro645Leu).